The following is an entry in ClinVar:

NM_005219.5(DIAPH1):c.2612A>G (p.Tyr871Cys)

Gene: DIAPH1 (diaphanous related formin 1; minus strand). Cytogenetic location: 5q31.3.
Variant type: single nucleotide variant.
Coding change: c.2612A>G on transcript NM_005219.5 (MANE Select); coding-DNA position 2612, A replaced by G.
Protein change: p.Tyr871Cys; replaces tyrosine 871 with cysteine.
Molecular consequence: missense variant.
Genome position (GRCh38, 1-based): chr5:141,529,667, T>C on the plus strand (A>G on the coding strand, the complement: DIAPH1 is on the minus strand). VCF-style: chr5-141529667-T-C. GRCh37 (hg19) VCF-style: chr5-140909234-T-C.
Other names: c.2585A>G, p.Tyr862Cys (NM_001079812.3); c.2612A>G, p.Tyr871Cys (NM_001314007.2); short protein forms Y862C, Y871C.
Identifiers: ClinVar variation 4792307 (VCV004792307.1).

ClinVar aggregate classification (germline): Uncertain significance (1 of 4 stars; one submission).

Conditions:
Progressive microcephaly-seizures-cortical blindness-developmental delay syndrome. Also called: Seizures, cortical blindness, and microcephaly syndrome. Identifiers: Orphanet 477814, MedGen C5567650, MONDO:0014714, OMIM 616632.
Autosomal dominant nonsyndromic hearing loss 1. Also called: KONIGSMARK SYNDROME; DEAFNESS, AUTOSOMAL DOMINANT 1, WITH OR WITHOUT THROMBOCYTOPENIA. Identifiers: Orphanet 90635, MedGen C1852282, MONDO:0007424, OMIM 124900.

gnomAD v4.1: 2 of 1,614,142 alleles (0.00012%); highest among the groups gnomAD compares: Admixed American, 0.0033%; no homozygotes.

Submission:

Labcorp Genetics (formerly Invitae), Labcorp
Classification: Uncertain significance for Progressive microcephaly-seizures-cortical blindness-developmental delay syndrome; Autosomal dominant nonsyndromic hearing loss 1. Last evaluated: 2025-03-29. Review status: criteria provided, single submitter. Criteria: Invitae Variant Classification Sherloc (09022015). Collection method: clinical testing. Allele origin: germline.
Comment: This sequence change replaces tyrosine, which is neutral and polar, with cysteine, which is neutral and slightly polar, at codon 871 of the DIAPH1 protein (p.Tyr871Cys). This variant is present in population databases (no rsID available, gnomAD 0.006%). This variant has not been reported in the literature in individuals affected with DIAPH1-related conditions. An algorithm developed to predict the effect of missense changes on protein structure and function (PolyPhen-2) suggests that this variant is likely to be disruptive. In summary, the available evidence is currently insufficient to determine the role of this variant in disease. Therefore, it has been classified as a Variant of Uncertain Significance.